The following is an entry in ClinVar:

NM_001558.4(IL10RA):c.170A>G (p.Tyr57Cys)

Gene: IL10RA (interleukin 10 receptor subunit alpha; plus strand). Cytogenetic location: 11q23.3.
Variant type: single nucleotide variant.
Coding change: c.170A>G on transcript NM_001558.4 (MANE Select); coding-DNA position 170, A replaced by G.
Protein change: p.Tyr57Cys; replaces tyrosine 57 with cysteine.
Molecular consequence: missense variant. On other transcripts: non-coding transcript variant (1).
Genome position (GRCh38, 1-based): chr11:117,988,484, A>G. VCF-style: chr11-117988484-A-G. GRCh37 (hg19) VCF-style: chr11-117859199-A-G.
Other names: short protein forms Y57C.
Identifiers: ClinVar variation 284995 (VCV000284995.58), dbSNP rs201643277, ClinGen allele CA6298845.

ClinVar aggregate classification (germline): Conflicting classifications of pathogenicity. Review status: criteria provided, conflicting classifications (1 of 4 stars). 6 submissions from 6 submitters: Likely pathogenic (5); Uncertain significance (1). Last evaluated 2025-10-23.

Conditions:
IL10RA-related disorder. Also called: IL10RA-related condition.
Inflammatory bowel disease 28. Also called: Inflammatory bowel disease 28, early onset, autosomal recessive. Identifiers: Orphanet 238569, MedGen C2751053, MONDO:0013153, OMIM 613148.

Allele frequency attached by ClinVar (database versions not stated): TOPMed 0.00008; gnomAD 0.00009; gnomAD exomes 0.00009 and 0.00020; ExAC 0.00012; ESP Exome Variant Server 0.00031.
gnomAD v4.1: 312 of 1,613,940 alleles (0.019%); highest among the groups gnomAD compares: Non-Finnish European, 0.025%; no homozygotes.

Submissions (6):

Labcorp Genetics (formerly Invitae), Labcorp
Classification: Likely pathogenic for Inflammatory bowel disease 28. Last evaluated: 2025-10-23. Review status: criteria provided, single submitter. Criteria: Invitae Variant Classification Sherloc (09022015). Collection method: clinical testing. Allele origin: germline.
Comment: This sequence change replaces tyrosine, which is neutral and polar, with cysteine, which is neutral and slightly polar, at codon 57 of the IL10RA protein (p.Tyr57Cys). This variant is present in population databases (rs201643277, gnomAD 0.02%). This missense change has been observed in individual(s) with early onset inflammatory bowel disease (PMID: 22549091, 23158016). In at least one individual the data is consistent with being in trans (on the opposite chromosome) from a pathogenic variant. ClinVar contains an entry for this variant (Variation ID: 284995). Invitae Evidence Modeling of protein sequence and biophysical properties (such as structural, functional, and spatial information, amino acid conservation, physicochemical variation, residue mobility, and thermodynamic stability) indicates that this missense variant is expected to disrupt IL10RA protein function with a positive predictive value of 80%. Experimental studies have shown that this missense change affects IL10RA function (PMID: 36370291). In summary, the currently available evidence indicates that the variant is pathogenic, but additional data are needed to prove that conclusively. Therefore, this variant has been classified as Likely Pathogenic.

PreventionGenetics, part of Exact Sciences
Classification: Likely pathogenic for IL10RA-related condition. Last evaluated: 2025-06-27. Review status: criteria provided, single submitter. Criteria: ACMG Guidelines, 2015. Collection method: clinical testing. Allele origin: germline.
Comment: The IL10RA c.170A>G variant is predicted to result in the amino acid substitution p.Tyr57Cys. This variant has been reported with other IL10RA variants in three individuals with very early onset inflammatory bowel disease (VEOIBD) (Kotlarz et al. 2012. PubMed ID: 22549091; Engelhardt et al. 2012. PubMed ID: 23158016; Sandy et al. 2022 PubMed ID: 34730757). Functional studies suggest that this variant disrupts structures in the extracellular domain (Aschenbrenner et al. 2022. PubMed ID: 36370291). This variant is reported in 0.017% of alleles in individuals of European (non-Finnish) descent in gnomAD and has conflicting classifications listed in ClinVar ranging from uncertain to likely pathogenic. This variant is interpreted as likely pathogenic.

Blueprint Genetics
Classification: Likely pathogenic for IL10RA-related disorders. Last evaluated: 2023-12-18. Review status: criteria provided, single submitter. Criteria: ACMG Guidelines, 2015. Collection method: clinical testing. Allele origin: germline. Affected: yes. Observed: 5 variant alleles.

CeGaT Center for Human Genetics Tuebingen
Classification: Likely pathogenic. Last evaluated: 2019-08-01. Review status: criteria provided, single submitter. Criteria: CeGaT Center For Human Genetics Tuebingen Variant Classification Criteria Version 2. Collection method: clinical testing. Allele origin: germline. Affected: yes. Observed: 3 variant alleles.

GeneDx
Classification: Uncertain significance. Last evaluated: 2017-09-27. Review status: criteria provided, single submitter. Criteria: GeneDx Variant Classification (06012015). Collection method: clinical testing. Allele origin: germline. Affected: yes.
Comment: The Y57C variant in the IL10RA gene has been reported previously in association with IL10RA-related disorder, in affected individuals who were compound heterozygous for the Y57C variant and another variant (Kotlarz et al., 2012; Engelhardt et al., 2013). The Y57C variant is observed in 24/126710 (0.02%) alleles from individuals of Finnish background, in the ExAC dataset (Lek et al., 2016). The Y57C variant is a non-conservative amino acid substitution, which is likely to impact secondary protein structure as these residues differ in polarity, charge, size and/or other properties. This substitution occurs at a position that is conserved in mammals. In silico analysis predicts this variant is probably damaging to the protein structure/function. We interpret Y57C as a variant of uncertain significance.

Eurofins Ntd Llc (ga)
Classification: Likely pathogenic. Last evaluated: 2015-12-15. Review status: criteria provided, single submitter. Criteria: EGL Classification Definitions 2015. Collection method: clinical testing. Allele origin: germline. Observed: 1 variant allele, 1 heterozygote.

Literature cited by the submitters: PubMed 22549091 (cited by Labcorp Genetics (formerly Invitae), Labcorp); PubMed 23158016 (cited by Labcorp Genetics (formerly Invitae), Labcorp); PubMed 36370291 (cited by Labcorp Genetics (formerly Invitae), Labcorp).